The following is an entry in ClinVar:

NM_144966.7(FREM1):c.-766A>C

Gene: FREM1 (FRAS1 related extracellular matrix 1; minus strand). Cytogenetic location: 9p22.3.
Variant type: single nucleotide variant.
Coding change: c.-766A>C on transcript NM_144966.7; 766 bases upstream of the start codon, A replaced by C.
Molecular consequence: 5 prime UTR variant. On other transcripts: non-coding transcript variant (1).
Genome position (GRCh38, 1-based): chr9:14,910,945, T>G on the plus strand (A>C on the coding strand, the complement: FREM1 is on the minus strand). VCF-style: chr9-14910945-T-G. GRCh37 (hg19) VCF-style: chr9-14910943-T-G.
Identifiers: ClinVar variation 366191 (VCV000366191.8), dbSNP rs139022146, ClinGen allele CA10633502.

ClinVar aggregate classification (germline): Likely benign. Review status: criteria provided, multiple submitters, no conflicts (2 of 4 stars). 2 submissions from 2 submitters: Likely benign (2). Last evaluated 2017-04-27.

Conditions:
Oculotrichoanal syndrome (MOTA). Also called: MARLES SYNDROME; Manitoba Oculotrichoanal (MOTA) Syndrome. Identifiers: Orphanet 2717, MedGen C1855425, MONDO:0009560, OMIM 248450.

Allele frequency attached by ClinVar (database versions not stated): 1000 Genomes Project 30x 0.01124; 1000 Genomes Project 0.01098; gnomAD 0.00838; TOPMed 0.00955.

Submissions (2):

Illumina Laboratory Services, Illumina
Classification: Likely benign for Oculotrichoanal syndrome. Last evaluated: 2017-04-27. Review status: criteria provided, single submitter. Criteria: ICSL Variant Classification Criteria 13 December 2019. Collection method: clinical testing. Allele origin: germline.
Comment: This variant was observed as part of a predisposition screen in an ostensibly healthy population. A literature search was performed for the gene, cDNA change, and amino acid change (where applicable). No publications were found based on this search. Allele frequency data from public databases allowed determination this variant is unlikely to cause disease. Therefore, this variant is classified as likely benign.

Breakthrough Genomics
Classification: Likely benign. Review status: criteria provided, single submitter. Criteria: ACMG Guidelines, 2015. Collection method: not provided. Allele origin: germline. Inheritance: Autosomal recessive inheritance. Affected: yes.